The following is an entry in ClinVar:

NM_201525.4(ADGRG1):c.203_206dup (p.Pro70fs)

Gene: ADGRG1 (adhesion G protein-coupled receptor G1; plus strand). Cytogenetic location: 16q21.
Variant type: Duplication.
Coding change: c.203_206dup on transcript NM_201525.4 (MANE Select); coding-DNA positions 203 to 206, 4 bases duplicated (ATGC; older notation c.203_206dupATGC).
Protein change: p.Pro70fs; shifts the reading frame from proline 70.
Molecular consequence: frameshift variant. On other transcripts: 5 prime UTR variant (5), intron variant (2).
Genome position (GRCh38, 1-based): chr16:57,651,338-57,651,341, ATGC duplicated; duplicating any 4 consecutive bases within chr16:57,651,337-57,651,341 gives the same sequence; the c. name uses the placement nearest the transcript's 3' end. VCF-style (leftmost placement, unchanged base first): chr16-57651336-C-CCATG. GRCh37 (hg19) VCF-style: chr16-57685248-C-CCATG.
Other names: c.203_206dup, p.Pro70fs (NM_001145770.3, NM_001145771.3, NM_001145772.3 and 16 more transcripts); c.218_221dup, p.Pro75fs (NM_001145773.3, NM_001370433.1); c.-323_-320dup (NM_001290143.2, NM_001290144.2, NM_001370451.1 and 2 more transcripts); c.110+93_110+96dup (NM_001290142.2); c.65-18_65-15dup (NM_001370442.1); short protein forms P70fs, P75fs.
Identifiers: ClinVar variation 1924588 (VCV001924588.5), dbSNP rs1464673111, ClinGen allele CA722087512.

ClinVar aggregate classification (germline): Pathogenic (1 of 4 stars; one submission).

Submission:

Labcorp Genetics (formerly Invitae), Labcorp
Classification: Pathogenic. Last evaluated: 2024-09-19. Review status: criteria provided, single submitter. Criteria: Invitae Variant Classification Sherloc (09022015). Collection method: clinical testing. Allele origin: germline.
Comment: This sequence change creates a premature translational stop signal (p.Pro70Cysfs*15) in the ADGRG1 gene. It is expected to result in an absent or disrupted protein product. Loss-of-function variants in ADGRG1 are known to be pathogenic (PMID: 15044805, 20929962). This variant is not present in population databases (gnomAD no frequency). This variant has not been reported in the literature in individuals affected with ADGRG1-related conditions. ClinVar contains an entry for this variant (Variation ID: 1924588). For these reasons, this variant has been classified as Pathogenic.

Literature cited by the submitters: PubMed 15044805; PubMed 20929962.